The following is an entry in ClinVar:

ClinVar aggregate classification (germline): Uncertain significance. Review status: criteria provided, multiple submitters, no conflicts (2 of 4 stars). 3 submissions from 3 submitters: Uncertain significance (3). Last evaluated 2026-04-11.

Conditions:
Achondrogenesis, type IA (ACG1A). Identifiers: Orphanet 932, Orphanet 93299, MedGen C0265273, MONDO:0008701, OMIM 200600.

Allele frequency attached by ClinVar (database versions not stated): gnomAD exomes 0.00003 and 0.00002; ExAC 0.00004; TOPMed 0.00001.
gnomAD v4.1: 27 of 1,613,522 alleles (0.0017%); highest among the groups gnomAD compares: Admixed American, 0.01%; no homozygotes.

Submissions (3):

GeneDx
Classification: Uncertain significance. Last evaluated: 2026-04-11. Review status: criteria provided, single submitter. Criteria: GeneDx Variant Classification Process June 2021. Collection method: clinical testing. Allele origin: germline.
Comment: Not observed at significant frequency in large population cohorts (gnomAD); In silico analysis suggests that this missense variant does not alter protein structure/function; Has not been previously published as pathogenic or benign to our knowledge

Labcorp Genetics (formerly Invitae), Labcorp
Classification: Uncertain significance for Achondrogenesis, type IA. Last evaluated: 2024-09-13. Review status: criteria provided, single submitter. Criteria: Invitae Variant Classification Sherloc (09022015). Collection method: clinical testing. Allele origin: germline.
Comment: This sequence change replaces serine, which is neutral and polar, with leucine, which is neutral and non-polar, at codon 169 of the TRIP11 protein (p.Ser169Leu). This variant is present in population databases (rs766742508, gnomAD 0.006%). This variant has not been reported in the literature in individuals affected with TRIP11-related conditions. ClinVar contains an entry for this variant (Variation ID: 884610). Invitae Evidence Modeling of protein sequence and biophysical properties (such as structural, functional, and spatial information, amino acid conservation, physicochemical variation, residue mobility, and thermodynamic stability) indicates that this missense variant is not expected to disrupt TRIP11 protein function with a negative predictive value of 80%. In summary, the available evidence is currently insufficient to determine the role of this variant in disease. Therefore, it has been classified as a Variant of Uncertain Significance.

Illumina Laboratory Services, Illumina
Classification: Uncertain significance for Achondrogenesis, type IA. Last evaluated: 2018-01-12. Review status: criteria provided, single submitter. Criteria: ICSL Variant Classification Criteria 13 December 2019. Collection method: clinical testing. Allele origin: germline.

NM_004239.4(TRIP11):c.506C>T (p.Ser169Leu)

Gene: TRIP11 (thyroid hormone receptor interactor 11; minus strand). Cytogenetic location: 14q32.12.
Variant type: single nucleotide variant.
Coding change: c.506C>T on transcript NM_004239.4 (MANE Select); coding-DNA position 506, C replaced by T.
Protein change: p.Ser169Leu; replaces serine 169 with leucine.
Molecular consequence: missense variant.
Genome position (GRCh38, 1-based): chr14:92,021,638, G>A on the plus strand (C>T on the coding strand, the complement: TRIP11 is on the minus strand). VCF-style: chr14-92021638-G-A. GRCh37 (hg19) VCF-style: chr14-92487982-G-A.
Other names: c.503C>T, p.Ser168Leu (NM_001321851.1); short protein forms S168L, S169L.
Identifiers: ClinVar variation 884610 (VCV000884610.7), dbSNP rs766742508, ClinGen allele CA7314175.